The following is an entry in ClinVar:

NM_000203.5(IDUA):c.494-1G>A

Gene: IDUA (alpha-L-iduronidase; plus strand). Cytogenetic location: 4p16.3.
Variant type: single nucleotide variant.
Coding change: c.494-1G>A on transcript NM_000203.5 (MANE Select); the canonical splice acceptor site of the intron before coding-DNA position 494, G replaced by A.
Molecular consequence: splice acceptor variant.
Genome position (GRCh38, 1-based): chr4:1,001,467, G>A. VCF-style: chr4-1001467-G-A. GRCh37 (hg19) VCF-style: chr4-995255-G-A.
Other names: c.98-1G>A (NM_001363576.1).
Identifiers: ClinVar variation 557942 (VCV000557942.4), dbSNP rs794727701, ClinGen allele CA355961634.

ClinVar aggregate classification (germline): Likely pathogenic. Review status: reviewed by expert panel (3 of 4 stars). 3 submissions from 3 submitters: Likely pathogenic (1). 2 of the submissions do not count toward it. Last evaluated 2024-12-05.

Conditions:
Hurler syndrome. Also called: Gargoylism, Hurler Syndrome; MUCOPOLYSACCHARIDOSIS TYPE IH; Severe MPS I (Hurler Syndrome). Identifiers: Orphanet 93473, MedGen C0086795, MONDO:0011758, OMIM 607014.
Mucopolysaccharidosis type 1. Also called: Mucopolysaccharidosis Type I; IDUA deficiency; MPS I. Identifiers: Orphanet 579, MedGen C0023786, MONDO:0001586.

Allele frequency attached by ClinVar (database versions not stated): gnomAD exomes below 0.00001.
gnomAD v4.1: 1 of 1,612,822 alleles (0.000062%); highest among the groups gnomAD compares: Non-Finnish European, 0.000085%; no homozygotes.

Submissions (3):

ClinGen Lysosomal Storage Disorder Variant Curation Expert Panel
Classification: Likely pathogenic for Mucopolysaccharidosis type 1. Last evaluated: 2024-12-05. Review status: reviewed by expert panel. Criteria: ClinGen LSD ACMG Specifications IDUA V1.0.0. Collection method: curation. Allele origin: germline. Inheritance: Autosomal recessive inheritance.
Comment: The NM_000203.5:c.494-1G>A variant in IDUA is a canonical splice acceptor variant. This variant is predicted to cause either an in-frame deletion of exon 5 including Glu182 (PVS1), or an activation of a cryptic splice site, leading to a frameshift and premature truncation (p.Arg166ThrfsTer27) (PVS1). The available experimental data do not definitively confirm either of these outcomes, and hence the decision has been made by the ClinGen IDUA VCEP to downgrade the strength of this criterion to PVS1_Strong. The highest population minor allele frequency in gnomAD v4.1.0. is 8.477e-7 (1/1179702 alleles) in the European (non-Finnish) population, which is lower than the ClinGen Lysosomal Diseases VCEP’s threshold for PM2_Supporting (<0.00025), meeting this criterion (PM2_Supporting). This variant has been reported primarily in Turkish patients, with at least five instances in the literature: four times in a homozygous genotype (PM3), and once as part of a compound heterozygous genotype with a variant (c.826G>A) that could be considered likely pathogenic (PMID: 21394825). Segregation studies for these patients were not available in this paper. There is a report of the variant in ClinVar (Variation ID: 557942). In summary, this variant meets the criteria to be classified as likely pathogenic for MPS I based on the IDUA-specific ACMG/AMP criteria applied, as specified by the ClinGen Lysosomal Diseases Variant Curation Expert Panel (Specifications Version 1.0.0): PVS1_Strong, PM2_Supporting, PM3. (Classification approved by the ClinGen Lysosomal Diseases Variant Curation Expert Panel on December 5, 2024)

Women's Health and Genetics/Laboratory Corporation of America, LabCorp
Classification: Pathogenic for Mucopolysaccharidosis type 1. Last evaluated: 2024-10-10. Review status: criteria provided, single submitter. Criteria: LabCorp Variant Classification Summary - May 2015. Collection method: clinical testing. Allele origin: germline. Not counted in ClinVar's aggregate classification.
Comment: Variant summary: IDUA c.494-1G>A is located in a canonical splice-site and is predicted to affect mRNA splicing resulting in a significantly altered protein due to either exon skipping, shortening, or inclusion of intronic material. Variants that disrupt the consensus splice site are a relatively common cause of aberrant splicing and loss of IDUA function. Several computational tools predict a significant impact on normal splicing: Four predict the variant weakens a canonical 5' donor site. The variant allele was found at a frequency of 4e-06 in 250814 control chromosomes. c.494-1G>A has been reported in the literature in multiple individuals affected with Mucopolysaccharidosis Type 1/Hurler syndrome (example: Atceken_2016). These data indicate that the variant is very likely to be associated with disease. The following publication has been ascertained in the context of this evaluation (PMID: 27511503). ClinVar contains an entry for this variant (Variation ID: 557942). Based on the evidence outlined above, the variant was classified as pathogenic.

Counsyl
Classification: Pathogenic for Hurler syndrome. Last evaluated: 2018-04-20. Review status: no assertion criteria provided. Collection method: clinical testing. Allele origin: unknown. Not counted in ClinVar's aggregate classification.

Literature cited by the submitters: PubMed 27511503 (cited by Women's Health and Genetics/Laboratory Corporation of America, LabCorp); PubMed 21394825 (cited by Counsyl).